The following is an entry in ClinVar:

NM_001163809.2(WDR81):c.1115G>A (p.Arg372Gln)

Gene: WDR81 (WD repeat domain 81; plus strand). Cytogenetic location: 17p13.3.
Variant type: single nucleotide variant.
Coding change: c.1115G>A on transcript NM_001163809.2 (MANE Select); coding-DNA position 1115, G replaced by A.
Protein change: p.Arg372Gln; replaces arginine 372 with glutamine.
Molecular consequence: missense variant. On other transcripts: intron variant (3).
Genome position (GRCh38, 1-based): chr17:1,726,074, G>A. VCF-style: chr17-1726074-G-A. GRCh37 (hg19) VCF-style: chr17-1629368-G-A.
Other names: c.-123-1916G>A (NM_152348.4); c.59-4306G>A (NM_001163673.2); c.-15+1288G>A (NM_001163811.2); short protein forms R372Q.
Identifiers: ClinVar variation 1190382 (VCV001190382.2), dbSNP rs773768162, ClinGen allele CA8273018.

ClinVar aggregate classification (germline): Uncertain significance (1 of 4 stars; one submission).

Allele frequency attached by ClinVar (database versions not stated): gnomAD 0.00001 and 0.00002; gnomAD exomes 0.00002 and 0.00003; TOPMed 0.00002; ExAC 0.00005.
gnomAD v4.1: 13 of 1,547,628 alleles (0.00084%); highest among the groups gnomAD compares: Non-Finnish European, 0.00026%; no homozygotes.

Submission:

GeneDx
Classification: Uncertain significance. Last evaluated: 2019-08-09. Review status: criteria provided, single submitter. Criteria: GeneDx Variant Classification Process June 2021. Collection method: clinical testing. Allele origin: germline. Affected: yes.
Comment: Has not been previously published as pathogenic or benign to our knowledge; In silico analysis, which includes protein predictors and evolutionary conservation, supports a deleterious effect